The following is an entry in ClinVar:

NM_004304.5(ALK):c.1788G>A (p.Met596Ile)

Gene: ALK (ALK receptor tyrosine kinase; minus strand). Cytogenetic location: 2p23.2.
Variant type: single nucleotide variant.
Coding change: c.1788G>A on transcript NM_004304.5 (MANE Select); coding-DNA position 1788, G replaced by A.
Protein change: p.Met596Ile; replaces methionine 596 with isoleucine.
Molecular consequence: missense variant.
Genome position (GRCh38, 1-based): chr2:29,296,917, C>T on the plus strand (G>A on the coding strand, the complement: ALK is on the minus strand). VCF-style: chr2-29296917-C-T. GRCh37 (hg19) VCF-style: chr2-29519783-C-T.
Other names: short protein forms M596I.
Identifiers: ClinVar variation 840952 (VCV000840952.12), dbSNP rs1273699854, ClinGen allele CA346465927.

ClinVar aggregate classification (germline): Uncertain significance. Review status: criteria provided, multiple submitters, no conflicts (2 of 4 stars). 3 submissions from 3 submitters: Uncertain significance (3). Last evaluated 2024-06-02.

Conditions:
Hereditary cancer-predisposing syndrome. Also called: Neoplastic Syndromes, Hereditary; Hereditary neoplastic syndrome; Tumor predisposition; Hereditary Cancer Syndrome. Identifiers: Orphanet 140162, MedGen C0027672, MeSH D009386, MONDO:0015356.
Neuroblastoma, susceptibility to, 3. Also called: ALK-Related Neuroblastic Tumor Susceptibility. Identifiers: Orphanet 635, MedGen C2751681, MONDO:0013083, OMIM 613014.

Allele frequency attached by ClinVar (database versions not stated): gnomAD exomes below 0.00001; TOPMed below 0.00001; gnomAD 0.00001.
gnomAD v4.1: 3 of 1,614,072 alleles (0.00019%); highest among the groups gnomAD compares: Non-Finnish European, 0.00017%; no homozygotes.

Submissions (3):

Labcorp Genetics (formerly Invitae), Labcorp
Classification: Uncertain significance for Neuroblastoma, susceptibility to, 3. Last evaluated: 2024-06-02. Review status: criteria provided, single submitter. Criteria: Invitae Variant Classification Sherloc (09022015). Collection method: clinical testing. Allele origin: germline.
Comment: This sequence change replaces methionine, which is neutral and non-polar, with isoleucine, which is neutral and non-polar, at codon 596 of the ALK protein (p.Met596Ile). This variant is not present in population databases (gnomAD no frequency). This variant has not been reported in the literature in individuals affected with ALK-related conditions. ClinVar contains an entry for this variant (Variation ID: 840952). Algorithms developed to predict the effect of missense changes on protein structure and function output the following: SIFT: "Not Available"; PolyPhen-2: "Benign"; Align-GVGD: "Not Available". The isoleucine amino acid residue is found in multiple mammalian species, which suggests that this missense change does not adversely affect protein function. In summary, the available evidence is currently insufficient to determine the role of this variant in disease. Therefore, it has been classified as a Variant of Uncertain Significance.

GeneDx
Classification: Uncertain significance. Last evaluated: 2023-12-03. Review status: criteria provided, single submitter. Criteria: GeneDx Variant Classification Process June 2021. Collection method: clinical testing. Allele origin: germline. Affected: yes.
Comment: Not observed at significant frequency in large population cohorts (gnomAD); In silico analysis supports that this missense variant does not alter protein structure/function; Has not been previously published as pathogenic or benign to our knowledge

Ambry Genetics
Classification: Uncertain significance for Hereditary cancer-predisposing syndrome. Last evaluated: 2023-09-09. Review status: criteria provided, single submitter. Criteria: Ambry Variant Classification Scheme 2023. Collection method: clinical testing. Allele origin: germline.
Comment: The p.M596I variant (also known as c.1788G>A), located in coding exon 9 of the ALK gene, results from a G to A substitution at nucleotide position 1788. The methionine at codon 596 is replaced by isoleucine, an amino acid with highly similar properties. This amino acid position is conserved. In addition, this alteration is predicted to be tolerated by in silico analysis. Since supporting evidence is limited at this time, the clinical significance of this alteration remains unclear.